The following is an entry in ClinVar:

ClinVar aggregate classification (germline): Benign (1 of 4 stars; one submission).

gnomAD v4.1: 26,388 of 1,573,270 alleles (1.7%); highest among the groups gnomAD compares: South Asian, 4.1%; 335 homozygotes.

Submission:

CeGaT Center for Human Genetics Tuebingen
Classification: Benign. Last evaluated: 2024-08-01. Review status: criteria provided, single submitter. Criteria: CeGaT Center For Human Genetics Tuebingen Variant Classification Criteria Version 2. Collection method: clinical testing. Allele origin: germline. Affected: yes. Observed: 1 variant allele.
Comment: SPAG16: BS1, BS2

NM_024532.5(SPAG16):c.1067G>A (p.Ser356Asn)

Gene: SPAG16 (sperm associated antigen 16; plus strand). Cytogenetic location: 2q34.
Variant type: single nucleotide variant.
Coding change: c.1067G>A on transcript NM_024532.5 (MANE Select); coding-DNA position 1067, G replaced by A.
Protein change: p.Ser356Asn; replaces serine 356 with asparagine.
Molecular consequence: missense variant. On other transcripts: non-coding transcript variant (2).
Genome position (GRCh38, 1-based): chr2:213,490,087, G>A. VCF-style: chr2-213490087-G-A. GRCh37 (hg19) VCF-style: chr2-214354811-G-A.
Other names: short protein forms S356N.
Identifiers: ClinVar variation 3341511 (VCV003341511.16).